The following is an entry in ClinVar:

NM_000213.5(ITGB4):c.1447G>A (p.Glu483Lys)

Gene: ITGB4 (integrin subunit beta 4; plus strand). Cytogenetic location: 17q25.1.
Variant type: single nucleotide variant.
Coding change: c.1447G>A on transcript NM_000213.5 (MANE Select); coding-DNA position 1447, G replaced by A.
Protein change: p.Glu483Lys; replaces glutamic acid 483 with lysine.
Molecular consequence: missense variant.
Genome position (GRCh38, 1-based): chr17:75,732,232, G>A. VCF-style: chr17-75732232-G-A. GRCh37 (hg19) VCF-style: chr17-73728313-G-A.
Other names: c.1447G>A, p.Glu483Lys (NM_001005619.2, NM_001005731.3, NM_001321123.2); short protein forms E483K.
Identifiers: ClinVar variation 2187682 (VCV002187682.3), dbSNP rs966332000, ClinGen allele CA294061967.
Genomic context (GRCh38, chr17:75,732,232, plus strand): 5'-GTGCGGTCAGCTCGCTGCAGCTTCAACGGAGACTTCGTGTGCGGACAGTGTGTGTGCAGC[G>A]AGGGCTGGTGAGTGGGGAAGGGAGTTGGGCACCCAGGACACCAGTGGCCCCTGATGGGAA-3'
Protein context (NP_000204.3, residues 473-493): DFVCGQCVCS[Glu483Lys]GWSGQTCNCS

ClinVar aggregate classification (germline): Uncertain significance (1 of 4 stars; one submission).

Allele frequency attached by ClinVar (database versions not stated): gnomAD 0.00002; TOPMed 0.00002.
gnomAD v4.1: 48 of 1,613,848 alleles (0.003%); highest among the groups gnomAD compares: Non-Finnish European, 0.0037%; no homozygotes.

Submission:

Labcorp Genetics (formerly Invitae), Labcorp
Classification: Uncertain significance. Last evaluated: 2024-10-08. Review status: criteria provided, single submitter. Criteria: Invitae Variant Classification Sherloc (09022015). Collection method: clinical testing. Allele origin: germline.
Comment: This sequence change replaces glutamic acid, which is acidic and polar, with lysine, which is basic and polar, at codon 483 of the ITGB4 protein (p.Glu483Lys). This variant is present in population databases (no rsID available, gnomAD 0.002%). This variant has not been reported in the literature in individuals affected with ITGB4-related conditions. ClinVar contains an entry for this variant (Variation ID: 2187682). Invitae Evidence Modeling of protein sequence and biophysical properties (such as structural, functional, and spatial information, amino acid conservation, physicochemical variation, residue mobility, and thermodynamic stability) indicates that this missense variant is not expected to disrupt ITGB4 protein function with a negative predictive value of 80%. In summary, the available evidence is currently insufficient to determine the role of this variant in disease. Therefore, it has been classified as a Variant of Uncertain Significance.